The following is an entry in ClinVar:

NM_021035.3(ZNFX1):c.1097C>T (p.Ala366Val)

Gene: ZNFX1 (zinc finger NFX1-type containing 1; minus strand). Cytogenetic location: 20q13.13.
Variant type: single nucleotide variant.
Coding change: c.1097C>T on transcript NM_021035.3 (MANE Select); coding-DNA position 1097, C replaced by T.
Protein change: p.Ala366Val; replaces alanine 366 with valine.
Molecular consequence: missense variant.
Genome position (GRCh38, 1-based): chr20:49,270,715, G>A on the plus strand (C>T on the coding strand, the complement: ZNFX1 is on the minus strand). VCF-style: chr20-49270715-G-A. GRCh37 (hg19) VCF-style: chr20-47887252-G-A.
Other names: short protein forms A366V.
Identifiers: ClinVar variation 5006384 (VCV005006384.2).

ClinVar aggregate classification (germline): Uncertain significance (1 of 4 stars; one submission).

Conditions:
Immunodeficiency 91 and hyperinflammation. Identifiers: MedGen C5562073, MONDO:0030491, OMIM 619644.

Submission:

Juno Genomics, Hangzhou Juno Genomics, Inc
Classification: Uncertain significance for Immunodeficiency 91 and hyperinflammation. Review status: criteria provided, single submitter. Criteria: ACMG Guidelines, 2015. Collection method: clinical testing. Allele origin: germline.
Comment: Absent from controls (or at extremely low frequency if recessive) in Genome Aggregation Database.;Missense variant in a gene that has a low rate of benign missense variation.